The following is an entry in ClinVar:

ClinVar aggregate classification (germline): Benign. Review status: criteria provided, multiple submitters, no conflicts (2 of 4 stars). 4 submissions from 4 submitters: Benign (3). 1 of the submissions does not count toward it. Last evaluated 2026-01-28.

Conditions:
CTU2-related disorder. Also called: CTU2-related condition.

Allele frequency attached by ClinVar (database versions not stated): 1000 Genomes Project 0.13658; 1000 Genomes Project 30x 0.13851; TOPMed 0.18074; ESP Exome Variant Server 0.20505.
gnomAD v4.1: 408,389 of 1,611,542 alleles (25%); highest among the groups gnomAD compares: Non-Finnish European, 28%; 56,187 homozygotes.

Submissions (23):

Labcorp Genetics (formerly Invitae), Labcorp
Classification: Benign. Last evaluated: 2026-01-28. Review status: criteria provided, single submitter. Criteria: Invitae Variant Classification Sherloc (09022015). Collection method: clinical testing. Allele origin: germline.

GeneDx
Classification: Benign. Last evaluated: 2020-11-02. Review status: criteria provided, single submitter. Criteria: GeneDx Variant Classification Process June 2021. Collection method: clinical testing. Allele origin: germline. Affected: yes.

Breakthrough Genomics
Classification: Benign. Review status: criteria provided, single submitter. Criteria: ACMG Guidelines, 2015. Collection method: not provided. Allele origin: germline. Inheritance: Autosomal recessive inheritance. Affected: yes.

PreventionGenetics, part of Exact Sciences
Classification: Benign for CTU2-related condition. Last evaluated: 2023-11-27. Review status: no assertion criteria provided. Collection method: clinical testing. Allele origin: germline. Not counted in ClinVar's aggregate classification.
Comment: This variant is classified as benign based on ACMG/AMP sequence variant interpretation guidelines (Richards et al. 2015 PMID: 25741868, with internal and published modifications).

Dr. Peter K. Rogan Lab, Western University
No classification provided (evidence only). Condition: Familial cancer of breast. Review status: no classification provided. Collection method: in vitro. Allele origin: not applicable. Functional consequence: retained intron. Not counted in ClinVar's aggregate classification.

Dr. Peter K. Rogan Lab, Western University
No classification provided (evidence only). Condition: Familial cancer of breast. Review status: no classification provided. Collection method: in vitro. Allele origin: not applicable. Functional consequence: retained intron. Not counted in ClinVar's aggregate classification.

Dr. Peter K. Rogan Lab, Western University
No classification provided (evidence only). Condition: Familial cancer of breast. Review status: no classification provided. Collection method: in vitro. Allele origin: not applicable. Functional consequence: retained intron. Not counted in ClinVar's aggregate classification.

Dr. Peter K. Rogan Lab, Western University
No classification provided (evidence only). Condition: Malignant lymphoma, large B-cell, diffuse. Review status: no classification provided. Collection method: in vitro. Allele origin: not applicable. Functional consequence: skipped exon. Not counted in ClinVar's aggregate classification.

Dr. Peter K. Rogan Lab, Western University
No classification provided (evidence only). Condition: Malignant lymphoma, large B-cell, diffuse. Review status: no classification provided. Collection method: in vitro. Allele origin: not applicable. Functional consequence: skipped exon. Not counted in ClinVar's aggregate classification.

Dr. Peter K. Rogan Lab, Western University
No classification provided (evidence only). Condition: Malignant lymphoma, large B-cell, diffuse. Review status: no classification provided. Collection method: in vitro. Allele origin: not applicable. Functional consequence: skipped exon, retained intron. Not counted in ClinVar's aggregate classification.

Dr. Peter K. Rogan Lab, Western University
No classification provided (evidence only). Condition: Malignant lymphoma, large B-cell, diffuse. Review status: no classification provided. Collection method: in vitro. Allele origin: not applicable. Functional consequence: skipped exon, retained intron. Not counted in ClinVar's aggregate classification.

Dr. Peter K. Rogan Lab, Western University
No classification provided (evidence only). Condition: Malignant lymphoma, large B-cell, diffuse. Review status: no classification provided. Collection method: in vitro. Allele origin: not applicable. Functional consequence: skipped exon. Not counted in ClinVar's aggregate classification.

Dr. Peter K. Rogan Lab, Western University
No classification provided (evidence only). Condition: Malignant lymphoma, large B-cell, diffuse. Review status: no classification provided. Collection method: in vitro. Allele origin: not applicable. Functional consequence: skipped exon. Not counted in ClinVar's aggregate classification.

Dr. Peter K. Rogan Lab, Western University
No classification provided (evidence only). Condition: Malignant lymphoma, large B-cell, diffuse. Review status: no classification provided. Collection method: in vitro. Allele origin: not applicable. Functional consequence: skipped exon. Not counted in ClinVar's aggregate classification.

Dr. Peter K. Rogan Lab, Western University
No classification provided (evidence only). Condition: Malignant lymphoma, large B-cell, diffuse. Review status: no classification provided. Collection method: in vitro. Allele origin: not applicable. Functional consequence: skipped exon. Not counted in ClinVar's aggregate classification.

Dr. Peter K. Rogan Lab, Western University
No classification provided (evidence only). Condition: Uterine carcinosarcoma. Review status: no classification provided. Collection method: in vitro. Allele origin: not applicable. Functional consequence: retained intron. Not counted in ClinVar's aggregate classification.

Dr. Peter K. Rogan Lab, Western University
No classification provided (evidence only). Condition: Uterine carcinosarcoma. Review status: no classification provided. Collection method: in vitro. Allele origin: not applicable. Functional consequence: retained intron. Not counted in ClinVar's aggregate classification.

Dr. Peter K. Rogan Lab, Western University
No classification provided (evidence only). Condition: Uterine carcinosarcoma. Review status: no classification provided. Collection method: in vitro. Allele origin: not applicable. Functional consequence: retained intron. Not counted in ClinVar's aggregate classification.

Dr. Peter K. Rogan Lab, Western University
No classification provided (evidence only). Condition: Uterine carcinosarcoma. Review status: no classification provided. Collection method: in vitro. Allele origin: not applicable. Functional consequence: skipped exon, retained intron. Not counted in ClinVar's aggregate classification.

Dr. Peter K. Rogan Lab, Western University
No classification provided (evidence only). Condition: Uterine carcinosarcoma. Review status: no classification provided. Collection method: in vitro. Allele origin: not applicable. Functional consequence: retained intron. Not counted in ClinVar's aggregate classification.

Dr. Peter K. Rogan Lab, Western University
No classification provided (evidence only). Condition: Uterine carcinosarcoma. Review status: no classification provided. Collection method: in vitro. Allele origin: not applicable. Functional consequence: skipped exon. Not counted in ClinVar's aggregate classification.

Dr. Peter K. Rogan Lab, Western University
No classification provided (evidence only). Condition: Uterine carcinosarcoma. Review status: no classification provided. Collection method: in vitro. Allele origin: not applicable. Functional consequence: retained intron. Not counted in ClinVar's aggregate classification.

Dr. Peter K. Rogan Lab, Western University
No classification provided (evidence only). Condition: Uterine carcinosarcoma. Review status: no classification provided. Collection method: in vitro. Allele origin: not applicable. Functional consequence: skipped exon. Not counted in ClinVar's aggregate classification.

NM_001012759.3(CTU2):c.69-16C>A

Gene: CTU2 (cytosolic thiouridylase subunit 2; plus strand). Cytogenetic location: 16q24.3.
Variant type: single nucleotide variant.
Coding change: c.69-16C>A on transcript NM_001012759.3 (MANE Select); 16 bases into the intron before coding-DNA position 69, C replaced by A.
Molecular consequence: intron variant.
Genome position (GRCh38, 1-based): chr16:88,707,120, C>A. VCF-style: chr16-88707120-C-A. GRCh37 (hg19) VCF-style: chr16-88773528-C-A.
Other names: c.69-16C>A (NM_001318507.2, NM_001012762.3, NM_001012759.2); c.-114-16C>A (NM_001318513.2).
Identifiers: ClinVar variation 1253335 (VCV001253335.15), dbSNP rs11641194, ClinGen allele CA8229988.